The following is an entry in ClinVar:

ClinVar aggregate classification (germline): Uncertain significance. Review status: criteria provided, single submitter (1 of 4 stars). 2 submissions from 2 submitters: Uncertain significance (1). 1 of the submissions does not count toward it. Last evaluated 2019-01-08.

Conditions:
Nemaline myopathy 2 (NEM2). Also called: Nemaline myopathy 2, autosomal recessive. Identifiers: MedGen C1850569, MONDO:0009725, OMIM 256030.

Submissions (2):

Labcorp Genetics (formerly Invitae), Labcorp
Classification: Uncertain significance for Nemaline myopathy 2. Last evaluated: 2019-01-08. Review status: criteria provided, single submitter. Criteria: Invitae Variant Classification Sherloc (09022015). Collection method: clinical testing. Allele origin: germline.
Comment: This variant has not been reported in the literature in individuals with NEB-related conditions. Algorithms developed to predict the effect of missense changes on protein structure and function are either unavailable or do not agree on the potential impact of this missense change (SIFT: "Deleterious"; PolyPhen-2: "Not Available"; Align-GVGD: "Class C0"). In summary, the available evidence is currently insufficient to determine the role of this variant in disease. Therefore, it has been classified as a Variant of Uncertain Significance. This variant is not present in population databases (ExAC no frequency). This sequence change replaces glycine with aspartic acid at codon 1551 of the NEB protein (p.Gly1551Asp). The glycine residue is moderately conserved and there is a moderate physicochemical difference between glycine and aspartic acid.

Natera, Inc.
Classification: Uncertain significance for Nemaline myopathy type 2. Last evaluated: 2020-09-16. Review status: no assertion criteria provided. Collection method: clinical testing. Allele origin: germline. Not counted in ClinVar's aggregate classification.

NM_001164508.2(NEB):c.4652G>A (p.Gly1551Asp)

Gene: NEB (nebulin; minus strand). Cytogenetic location: 2q23.3.
Variant type: single nucleotide variant.
Coding change: c.4652G>A on transcript NM_001164508.2 (MANE Select); coding-DNA position 4652, G replaced by A.
Protein change: p.Gly1551Asp; replaces glycine 1551 with aspartic acid.
Molecular consequence: missense variant.
Genome position (GRCh38, 1-based): chr2:151,667,871, C>T on the plus strand (G>A on the coding strand, the complement: NEB is on the minus strand). VCF-style: chr2-151667871-C-T. GRCh37 (hg19) VCF-style: chr2-152524385-C-T.
Other names: c.4652G>A, p.Gly1551Asp (NM_001164507.2, NM_001271208.2, NM_004543.5); short protein forms G1551D.
Identifiers: ClinVar variation 844185 (VCV000844185.11), dbSNP rs2099240158, ClinGen allele CA348814319.